The following is an entry in ClinVar:

NM_022168.4(IFIH1):c.1169T>G (p.Leu390Ter)

Gene: IFIH1 (interferon induced with helicase C domain 1; minus strand). Cytogenetic location: 2q24.2.
Variant type: single nucleotide variant.
Coding change: c.1169T>G on transcript NM_022168.4 (MANE Select); coding-DNA position 1169, T replaced by G.
Protein change: p.Leu390Ter; replaces leucine 390 with a stop codon.
Molecular consequence: nonsense.
Genome position (GRCh38, 1-based): chr2:162,282,503, A>C on the plus strand (T>G on the coding strand, the complement: IFIH1 is on the minus strand). VCF-style: chr2-162282503-A-C. GRCh37 (hg19) VCF-style: chr2-163139013-A-C.
Other names: short protein forms L390*.
Identifiers: ClinVar variation 1356763 (VCV001356763.6), dbSNP rs2105203236, ClinGen allele CA349002937.

ClinVar aggregate classification (germline): Uncertain significance (1 of 4 stars; one submission).

Conditions:
Singleton-Merten syndrome 1 (SGMRT1). Also called: Widened medullary cavities of bone, aortic calcification, abnormal dentition, and muscular weakness; Syndrome of widened medullary cavities of the metacarpals and phalanges, aortic calcification and abnormal dentition. Identifiers: Orphanet 85191, MedGen C4225427, MONDO:0024535, OMIM 182250.
Aicardi-Goutieres syndrome 7 (AGS7). Identifiers: Orphanet 51, MedGen C3888244, MONDO:0014367, OMIM 615846.

Submission:

Labcorp Genetics (formerly Invitae), Labcorp
Classification: Uncertain significance for Aicardi-Goutieres syndrome 7; Singleton-Merten syndrome 1. Last evaluated: 2022-06-27. Review status: criteria provided, single submitter. Criteria: Invitae Variant Classification Sherloc (09022015). Collection method: clinical testing. Allele origin: germline.
Comment: This variant is not present in population databases (gnomAD no frequency). In summary, the available evidence is currently insufficient to determine the role of this variant in disease. Therefore, it has been classified as a Variant of Uncertain Significance. This premature translational stop signal has been observed in at least one individual who was not affected with IFIH1-related conditions (Invitae). This variant has not been reported in the literature in individuals affected with IFIH1-related conditions. This sequence change creates a premature translational stop signal (p.Leu390*) in the IFIH1 gene. It is expected to result in an absent or disrupted protein product. However, the current clinical and genetic evidence is not sufficient to establish whether loss-of-function variants in IFIH1 cause disease.